The following is an entry in ClinVar:

NM_002408.4(MGAT2):c.558C>G (p.Asn186Lys)

Gene: MGAT2 (alpha-1,6-mannosyl-glycoprotein 2-beta-N-acetylglucosaminyltransferase; plus strand). Cytogenetic location: 14q21.3.
Variant type: single nucleotide variant.
Coding change: c.558C>G on transcript NM_002408.4 (MANE Select); coding-DNA position 558, C replaced by G.
Protein change: p.Asn186Lys; replaces asparagine 186 with lysine.
Molecular consequence: missense variant.
Genome position (GRCh38, 1-based): chr14:49,621,826, C>G. VCF-style: chr14-49621826-C-G. GRCh37 (hg19) VCF-style: chr14-50088544-C-G.
Other names: short protein forms N186K.
Identifiers: ClinVar variation 3395628 (VCV003395628.2).

ClinVar aggregate classification (germline): Uncertain significance. Review status: criteria provided, multiple submitters, no conflicts (2 of 4 stars). 2 submissions from 2 submitters: Uncertain significance (2). Last evaluated 2025-09-04.

Conditions:
Inborn genetic diseases. Identifiers: MedGen C0950123, MeSH D030342.
MGAT2-congenital disorder of glycosylation. Also called: MENTAL RETARDATION, GROWTH RETARDATION, PROMINENT COLUMELLA, AND OPEN MOUTH; Alkuraya syndrome; CDG IIa; Congenital disorder of glycosylation, type IIa; MGAT2-CDG. Identifiers: Orphanet 79329, MedGen C2931008, MONDO:0008908, OMIM 212066.

Submissions (2):

Labcorp Genetics (formerly Invitae), Labcorp
Classification: Uncertain significance for MGAT2-congenital disorder of glycosylation. Last evaluated: 2025-09-04. Review status: criteria provided, single submitter. Criteria: Invitae Variant Classification Sherloc (09022015). Collection method: clinical testing. Allele origin: germline.
Comment: This sequence change replaces asparagine, which is neutral and polar, with lysine, which is basic and polar, at codon 186 of the MGAT2 protein (p.Asn186Lys). This variant is present in population databases (rs769067977, gnomAD 0.03%). This variant has not been reported in the literature in individuals affected with MGAT2-related conditions. ClinVar contains an entry for this variant (Variation ID: 3395628). Invitae Evidence Modeling of protein sequence and biophysical properties (such as structural, functional, and spatial information, amino acid conservation, physicochemical variation, residue mobility, and thermodynamic stability) indicates that this missense variant is not expected to disrupt MGAT2 protein function with a negative predictive value of 80%. In summary, the available evidence is currently insufficient to determine the role of this variant in disease. Therefore, it has been classified as a Variant of Uncertain Significance.

Ambry Genetics
Classification: Uncertain significance for Inborn genetic diseases. Last evaluated: 2024-11-14. Review status: criteria provided, single submitter. Criteria: Ambry Variant Classification Scheme 2023. Collection method: clinical testing. Allele origin: germline.